The following is an entry in ClinVar:

NM_000548.5(TSC2):c.957G>A (p.Val319=)

Gene: TSC2 (TSC complex subunit 2; plus strand). Cytogenetic location: 16p13.3.
Variant type: single nucleotide variant.
Coding change: c.957G>A on transcript NM_000548.5 (MANE Select); coding-DNA position 957, G replaced by A.
Protein change: p.Val319=; no amino-acid change (valine 319 retained).
Molecular consequence: synonymous variant. On other transcripts: 5 prime UTR variant (10), non-coding transcript variant (5).
Genome position (GRCh38, 1-based): chr16:2,058,855, G>A. VCF-style: chr16-2058855-G-A. GRCh37 (hg19) VCF-style: chr16-2108856-G-A.
Other names: c.957G>A, p.Val319= (NM_001077183.3, NM_001114382.3, NM_001363528.2 and 6 more transcripts); c.846G>A, p.Val282= (NM_001318827.2, NM_001406670.1, NM_001406678.1); c.810G>A, p.Val270= (NM_001318829.2, NM_001406675.1, NM_001406676.1 and 1 more transcripts); c.357G>A, p.Val119= (NM_001318831.2, NM_001406680.1, NM_001406682.1 and 6 more transcripts); c.990G>A, p.Val330= (NM_001318832.2); c.1047G>A, p.Val349= (NM_001406667.1, NM_001406668.1); c.945G>A, p.Val315= (NM_001406671.1, NM_001406673.1); c.900G>A, p.Val300= (NM_001406677.1); and 4 more.
Identifiers: ClinVar variation 3672865 (VCV003672865.4).

ClinVar aggregate classification (germline): Benign/Likely benign. Review status: criteria provided, multiple submitters, no conflicts (2 of 4 stars). 3 submissions from 3 submitters: Benign (1); Likely benign (2). Last evaluated 2025-10-03.

Conditions:
Tuberous sclerosis 2 (TSC2). Identifiers: Orphanet 805, MedGen C1860707, MONDO:0013199, OMIM 613254.
Hereditary cancer-predisposing syndrome. Also called: Hereditary Cancer Syndrome; Tumor predisposition; Hereditary neoplastic syndrome; Neoplastic Syndromes, Hereditary. Identifiers: Orphanet 140162, MedGen C0027672, MeSH D009386, MONDO:0015356.

Submissions (3):

Ambry Genetics
Classification: Likely benign for Hereditary cancer-predisposing syndrome. Last evaluated: 2025-10-03. Review status: criteria provided, single submitter. Criteria: Ambry Variant Classification Scheme 2023. Collection method: clinical testing. Allele origin: germline.

Myriad Genetics, Inc.
Classification: Benign for Tuberous sclerosis 2. Last evaluated: 2025-05-12. Review status: criteria provided, single submitter. Criteria: Myriad Autosomal Dominant, Autosomal Recessive and X-Linked Classification Criteria (2023). Collection method: clinical testing. Allele origin: unknown.
Comment: This variant is considered benign. This variant is a silent/synonymous amino acid change and it is not expected to impact splicing.

Labcorp Genetics (formerly Invitae), Labcorp
Classification: Likely benign for Tuberous sclerosis 2. Last evaluated: 2025-02-02. Review status: criteria provided, single submitter. Criteria: Invitae Variant Classification Sherloc (09022015). Collection method: clinical testing. Allele origin: germline.